The following is an entry in ClinVar:

NM_030780.5(SLC25A32):c.520T>C (p.Tyr174His)

Gene: SLC25A32 (solute carrier family 25 member 32; minus strand). Cytogenetic location: 8q22.3.
Variant type: single nucleotide variant.
Coding change: c.520T>C on transcript NM_030780.5 (MANE Select); coding-DNA position 520, T replaced by C.
Protein change: p.Tyr174His; replaces tyrosine 174 with histidine.
Molecular consequence: missense variant. On other transcripts: non-coding transcript variant (2).
Genome position (GRCh38, 1-based): chr8:103,403,196, A>G on the plus strand (T>C on the coding strand, the complement: SLC25A32 is on the minus strand). VCF-style: chr8-103403196-A-G. GRCh37 (hg19) VCF-style: chr8-104415424-A-G.
Other names: short protein forms Y174H.
Identifiers: ClinVar variation 4699322 (VCV004699322.1).
Genomic context (GRCh38, chr8:103,403,196, plus strand): 5'-TATTTAAAATATATTGATAATTTGTTACCTTATATAATCCACGCACACCTTCATACTTAT[A>G]TATTTTCACAAGTGTATCAAACATTCCTTTATATTGTCGGTGTGGGGAGTTAACAACAGC-3'
Protein context (NP_110407.2, residues 164-184): KGMFDTLVKI[Tyr174His]KYEGVRGLYK

ClinVar aggregate classification (germline): Uncertain significance (1 of 4 stars; one submission).

gnomAD v4.1: 3 of 1,610,944 alleles (0.00019%); highest among the groups gnomAD compares: South Asian, 0.0011%; no homozygotes.

Submission:

Labcorp Genetics (formerly Invitae), Labcorp
Classification: Uncertain significance. Last evaluated: 2025-05-19. Review status: criteria provided, single submitter. Criteria: Invitae Variant Classification Sherloc (09022015). Collection method: clinical testing. Allele origin: germline.
Comment: This sequence change replaces tyrosine, which is neutral and polar, with histidine, which is basic and polar, at codon 174 of the SLC25A32 protein (p.Tyr174His). This variant is not present in population databases (gnomAD no frequency). This variant has not been reported in the literature in individuals affected with SLC25A32-related conditions. Invitae Evidence Modeling of protein sequence and biophysical properties (such as structural, functional, and spatial information, amino acid conservation, physicochemical variation, residue mobility, and thermodynamic stability) indicates that this missense variant is not expected to disrupt SLC25A32 protein function with a negative predictive value of 80%. In summary, the available evidence is currently insufficient to determine the role of this variant in disease. Therefore, it has been classified as a Variant of Uncertain Significance.